The following is an entry in ClinVar:

ClinVar aggregate classification (germline): Likely benign. Review status: criteria provided, multiple submitters, no conflicts (2 of 4 stars). 2 submissions from 2 submitters: Likely benign (2). Last evaluated 2026-06-18.

Conditions:
Retinoblastoma (RB1). Also called: RETINOBLASTOMA, SOMATIC. Identifiers: Orphanet 790, MedGen C0035335, MeSH D012175, MONDO:0008380, OMIM 180200, HP:0009919. Disease mechanism: loss of function. Inheritance: Both sporadic and heritable forms are tested..

Submissions (2):

Myriad Genetics, Inc.
Classification: Likely benign for Retinoblastoma. Last evaluated: 2026-06-18. Review status: criteria provided, single submitter. Criteria: Myriad Autosomal Dominant, Autosomal Recessive and X-Linked Classification Criteria (2023). Collection method: clinical testing. Allele origin: unknown.
Comment: This variant is considered likely benign. This variant is intronic and is not expected to impact mRNA splicing.

Labcorp Genetics (formerly Invitae), Labcorp
Classification: Likely benign for Retinoblastoma. Last evaluated: 2023-10-14. Review status: criteria provided, single submitter. Criteria: Invitae Variant Classification Sherloc (09022015). Collection method: clinical testing. Allele origin: germline.

NM_000321.3(RB1):c.1050-9G>A

Gene: RB1 (RB transcriptional corepressor 1; plus strand). Cytogenetic location: 13q14.2.
Variant type: single nucleotide variant.
Coding change: c.1050-9G>A on transcript NM_000321.3 (MANE Select); 9 bases into the intron before coding-DNA position 1050, G replaced by A.
Molecular consequence: intron variant.
Genome position (GRCh38, 1-based): chr13:48,368,518, G>A. VCF-style: chr13-48368518-G-A. GRCh37 (hg19) VCF-style: chr13-48942654-G-A.
Other names: c.1050-9G>A (NM_001407165.1, NM_001407166.1).
Identifiers: ClinVar variation 2768258 (VCV002768258.4), dbSNP rs2138123087, ClinGen allele CA2697551829.